The following is an entry in ClinVar:

ClinVar aggregate classification (germline): Uncertain significance (1 of 4 stars; one submission).

Conditions:
Inborn genetic diseases. Identifiers: MedGen C0950123, MeSH D030342.

Submission:

Ambry Genetics
Classification: Uncertain significance for Inborn genetic diseases. Last evaluated: 2024-09-12. Review status: criteria provided, single submitter. Criteria: Ambry Variant Classification Scheme 2023. Collection method: clinical testing. Allele origin: germline.
Comment: The p.G1617R variant (also known as c.4849G>C), located in coding exon 34 of the LRRK2 gene, results from a G to C substitution at nucleotide position 4849. The glycine at codon 1617 is replaced by arginine, an amino acid with dissimilar properties. This amino acid position is conserved. In addition, this alteration is predicted to be deleterious by in silico analysis. Based on the available evidence, the clinical significance of this variant remains unclear.

NM_198578.4(LRRK2):c.4849G>C (p.Gly1617Arg)

Gene: LRRK2 (leucine rich repeat kinase 2; plus strand). Cytogenetic location: 12q12.
Variant type: single nucleotide variant.
Coding change: c.4849G>C on transcript NM_198578.4 (MANE Select); coding-DNA position 4849, G replaced by C.
Protein change: p.Gly1617Arg; replaces glycine 1617 with arginine.
Molecular consequence: missense variant.
Genome position (GRCh38, 1-based): chr12:40,320,009, G>C. VCF-style: chr12-40320009-G-C. GRCh37 (hg19) VCF-style: chr12-40713811-G-C.
Other names: short protein forms G1617R.
Identifiers: ClinVar variation 3540673 (VCV003540673.1).